The following continues an entry in ClinVar:

NM_000059.4(BRCA2):c.2416G>C (p.Asp806His)

Gene: BRCA2. ClinVar aggregate classification (germline): Benign. Benign (1).

Submissions 19 to 25 of 25:

Sharing Clinical Reports Project (SCRP)
Classification: Benign for Breast-ovarian cancer, familial 2. Last evaluated: 2011-11-29. Review status: no assertion criteria provided. Collection method: clinical testing. Allele origin: germline. Not counted in ClinVar's aggregate classification.

Breast Cancer Information Core (BIC) (BRCA2)
Classification: Uncertain significance for Breast-ovarian cancer, familial 2. Last evaluated: 2002-05-29. Review status: no assertion criteria provided. Collection method: clinical testing. Allele origin: germline. Affected: yes. Observed: 7 variant alleles. Not counted in ClinVar's aggregate classification.

Clinical Genetics DNA and cytogenetics Diagnostics Lab, Erasmus MC, Erasmus Medical Center
Classification: Benign. Review status: no assertion criteria provided. Collection method: clinical testing. Allele origin: germline. Affected: yes. Study: VKGL Data-share Consensus. Not counted in ClinVar's aggregate classification.

Clinical Genetics Laboratory, Department of Pathology, Netherlands Cancer Institute
Classification: Benign. Review status: no assertion criteria provided. Collection method: clinical testing. Allele origin: germline. Affected: yes. Study: VKGL Data-share Consensus. Not counted in ClinVar's aggregate classification.

Department of Pathology and Laboratory Medicine, Sinai Health System
Classification: Likely benign for Malignant tumor of breast. Review status: no assertion criteria provided. Collection method: clinical testing. Allele origin: unknown. Affected: yes. Study: The Canadian Open Genetics Repository (COGR). Not counted in ClinVar's aggregate classification.
Comment: The BRCA2 p.Asp806His variant was identified as benign in in silico prediction models (posterior probability and likelihood ratio model) that integrate multiple forms of genetic evidence (Lindor 2012, Easton 2007 ). The variant was also identified in dbSNP (ID: rs56404215) â€šÃ„ÃºWith other alleleâ€šÃ„Ã¹, ClinVar (benign, reviewed by an expert panel (2015); submitters: benign by ENIGMA, Ambry Genetics and SCRP; LIKELY BENIGN BY Quest Diagnostics Nichols Institute San Juan Capistrano, Invitae, GeneDx, Counsyl; and uncertain significance by BIC), Clinvitae (4x), Genesight-COGR (by 3 clinical labs), LOVD 3.0 (1x), UMD-LSDB (4x as 2-likely neutral , co-occurring with pathogenic BRCA1 variant c.5080G>T/p.Glu1649X), BIC Database (7x, clinical importance unknown, classification pending) and not in Cosmic, MutDB, ARUP Laboratories, and Zhejiang Colon Cancer Database. The variant was identified in control databases in 7 of 274058 chromosomes at a frequency of 0.00003 (Genome Aggregation Database Feb 27, 2017). Breakdown of the observations by population include African in 1 of 23966 chromosomes (freq: 0.00004), European Non-Finnish in 6 of 125572 chromosomes (freq: 0.00005), while the variant was not observed in the Other, Latino, Ashkenazi Jewish, East Asian, European Finnish, and South Asian populations. The p.Asp806 residue is not conserved in mammals and computational analyses (PolyPhen-2, SIFT, AlignGVGD, BLOSUM, MutationTaster) provide inconsistent predictions regarding the impact of His to the protein; this information is not very predictive of pathogenicity. The variant occurs outside of the splicing consensus sequence and in silico or computational prediction software programs (SpliceSiteFinder, MaxEntScan, NNSPLICE, GeneSplicer, HumanSpliceFinder) do not predict a difference in splicing. In summary, based on the above information the clinical significance of this variant cannot be determined with certainty at this time although we would lean towards a more benign role for this variant. This variant is classified as likely benign.

Diagnostic Laboratory, Department of Genetics, University Medical Center Groningen
Classification: Likely benign. Review status: no assertion criteria provided. Collection method: clinical testing. Allele origin: germline. Affected: yes. Study: VKGL Data-share Consensus. Not counted in ClinVar's aggregate classification.

Joint Genome Diagnostic Labs from Nijmegen and Maastricht, Radboudumc and MUMC+
Classification: Benign. Review status: no assertion criteria provided. Collection method: clinical testing. Allele origin: germline. Affected: yes. Study: VKGL Data-share Consensus. Not counted in ClinVar's aggregate classification.

Literature cited by the submitters: PubMed 21990134 (cited by 5 submitters); PubMed 27616075 (cited by 3 submitters); PubMed 24323938 (cited by 3 submitters); PubMed 25348012 (cited by Quest Diagnostics Nichols Institute San Juan Capistrano and Women's Health and Genetics/Laboratory Corporation of America, LabCorp); PubMed 20167696 (cited by Quest Diagnostics Nichols Institute San Juan Capistrano and Women's Health and Genetics/Laboratory Corporation of America, LabCorp); PubMed 18403564 (cited by Quest Diagnostics Nichols Institute San Juan Capistrano and Women's Health and Genetics/Laboratory Corporation of America, LabCorp); PubMed 29580235 (cited by Quest Diagnostics Nichols Institute San Juan Capistrano and Women's Health and Genetics/Laboratory Corporation of America, LabCorp); PubMed 28288110 (cited by Quest Diagnostics Nichols Institute San Juan Capistrano and Women's Health and Genetics/Laboratory Corporation of America, LabCorp); PubMed 17924331 (cited by 4 submitters).